The following is an entry in ClinVar:

ClinVar aggregate classification (germline): Uncertain significance (1 of 4 stars; one submission).

Conditions:
SEMA3A-related disorder. Also called: SEMA3A-related condition.

gnomAD v4.1: 35 of 1,613,220 alleles (0.0022%); highest among the groups gnomAD compares: South Asian, 0.0033%; no homozygotes.

Submission:

PreventionGenetics, part of Exact Sciences
Classification: Uncertain significance for SEMA3A-related condition. Last evaluated: 2025-11-01. Review status: criteria provided, single submitter. Criteria: ACMG Guidelines, 2015. Collection method: clinical testing. Allele origin: germline.
Comment: The SEMA3A c.1838G>A variant is predicted to result in the amino acid substitution p.Arg613Gln. To our knowledge, this variant has not been reported in the literature. This variant is reported in 0.0098% of alleles in individuals of South Asian descent in gnomAD. At this time, the clinical significance of this variant is uncertain due to the absence of conclusive functional and genetic evidence.

NM_006080.3(SEMA3A):c.1838G>A (p.Arg613Gln)

Gene: SEMA3A (semaphorin 3A; minus strand). Cytogenetic location: 7q21.11.
Variant type: single nucleotide variant.
Coding change: c.1838G>A on transcript NM_006080.3 (MANE Select); coding-DNA position 1838, G replaced by A.
Protein change: p.Arg613Gln; replaces arginine 613 with glutamine.
Molecular consequence: missense variant.
Genome position (GRCh38, 1-based): chr7:83,963,227, C>T on the plus strand (G>A on the coding strand, the complement: SEMA3A is on the minus strand). VCF-style: chr7-83963227-C-T. GRCh37 (hg19) VCF-style: chr7-83592543-C-T.
Other names: short protein forms R613Q.
Identifiers: ClinVar variation 4977583 (VCV004977583.1).